The following is an entry in ClinVar:

NM_001369.3(DNAH5):c.13491+1G>T

Gene: DNAH5 (dynein axonemal heavy chain 5; minus strand). Cytogenetic location: 5p15.2.
Variant type: single nucleotide variant.
Coding change: c.13491+1G>T on transcript NM_001369.3 (MANE Select); the canonical splice donor site of the intron after coding-DNA position 13491, G replaced by T.
Molecular consequence: splice donor variant.
Genome position (GRCh38, 1-based): chr5:13,701,283, C>A on the plus strand (G>T on the coding strand, the complement: DNAH5 is on the minus strand). VCF-style: chr5-13701283-C-A. GRCh37 (hg19) VCF-style: chr5-13701392-C-A.
Identifiers: ClinVar variation 3772175 (VCV003772175.13).

ClinVar aggregate classification (germline): Uncertain significance (1 of 4 stars; one submission).

Submission:

CeGaT Center for Human Genetics Tuebingen
Classification: Uncertain significance. Last evaluated: 2025-01-01. Review status: criteria provided, single submitter. Criteria: CeGaT Center For Human Genetics Tuebingen Variant Classification Criteria Version 2. Collection method: clinical testing. Allele origin: germline. Affected: yes. Observed: 1 variant allele.
Comment: DNAH5: PM2, PVS1:Moderate